The following is an entry in ClinVar:

NM_001267550.2(TTN):c.26905_26906del (p.Gly8969fs)

Gene: TTN (titin; minus strand). Cytogenetic location: 2q31.2.
Variant type: Deletion.
Coding change: c.26905_26906del on transcript NM_001267550.2 (MANE Select); coding-DNA positions 26905 to 26906, 2 bases deleted (GG; older notation c.26905_26906delGG).
Protein change: p.Gly8969fs; shifts the reading frame from glycine 8969.
Molecular consequence: frameshift variant. On other transcripts: intron variant (3).
Genome position (GRCh38, 1-based): chr2:178,713,228-178,713,229, CC deleted on the plus strand (GG on the coding strand, the reverse complement: TTN is on the minus strand). VCF-style (leftmost placement, unchanged base first): chr2-178713227-TCC-T. GRCh37 (hg19) VCF-style: chr2-179577954-TCC-T.
Other names: c.25954_25955del, p.Gly8652fs (NM_001256850.1); c.23173_23174del, p.Gly7725fs (NM_133378.4); c.13282+24853_13282+24854del (NM_003319.4); c.13858+24853_13858+24854del (NM_133437.4); c.13657+24853_13657+24854del (NM_133432.3); c.26905_26906del (NM_001267550.1); short protein forms G7725fs, G8652fs, G8969fs.
Identifiers: ClinVar variation 1437986 (VCV001437986.7), dbSNP rs2154296494, ClinGen allele CA2573133988.

ClinVar aggregate classification (germline): Conflicting classifications of pathogenicity. Review status: criteria provided, conflicting classifications (1 of 4 stars). 2 submissions from 2 submitters: Likely pathogenic (1); Uncertain significance (1). Last evaluated 2024-10-18.

Conditions:
Dilated cardiomyopathy 1G (CMD1G). Identifiers: Orphanet 154, MedGen C1858763, MONDO:0011400, OMIM 604145.
Autosomal recessive limb-girdle muscular dystrophy type 2J (LGMDR10). Also called: Limb-girdle muscular dystrophy, type 2J; MUSCULAR DYSTROPHY, LIMB-GIRDLE, AUTOSOMAL RECESSIVE 10. Identifiers: Orphanet 140922, MedGen C1837342, MONDO:0012127, OMIM 608807.

Submissions (2):

Labcorp Genetics (formerly Invitae), Labcorp
Classification: Likely pathogenic for Dilated cardiomyopathy 1G; Autosomal recessive limb-girdle muscular dystrophy type 2J. Last evaluated: 2024-10-18. Review status: criteria provided, single submitter. Criteria: Invitae Variant Classification Sherloc (09022015). Collection method: clinical testing. Allele origin: germline.
Comment: This sequence change creates a premature translational stop signal (p.Gly8969Lysfs*10) in the TTN gene. While this is not anticipated to result in nonsense mediated decay, it is expected to create a truncated TTN protein. This variant is not present in population databases (gnomAD no frequency). This variant has not been reported in the literature in individuals affected with TTN-related conditions. ClinVar contains an entry for this variant (Variation ID: 1437986). This variant is located in the I band of TTN (PMID: 25589632). Truncating variants in this region have been reported in individuals affected with autosomal recessive centronuclear myopathy (PMID: 23975875, internal data). Truncating variants in this region have also been identified in individuals affected with autosomal dominant dilated cardiomyopathy and/or cardio-related conditions (PMID: 27869827, 32964742, internal data). In summary, the currently available evidence indicates that the variant is pathogenic, but additional data are needed to prove that conclusively. Therefore, this variant has been classified as Likely Pathogenic.

GeneDx
Classification: Uncertain significance. Last evaluated: 2023-03-06. Review status: criteria provided, single submitter. Criteria: GeneDx Variant Classification Process June 2021. Collection method: clinical testing. Allele origin: germline. Affected: yes.
Comment: Not observed at significant frequency in large population cohorts (gnomAD); Frameshift variant predicted to result in protein truncation or nonsense mediated decay in a gene or region of a gene for which loss of function is not a well-established mechanism of disease; Has not been previously published as pathogenic or benign to our knowledge; Located in a region of TTN within the I-band in which the majority of loss of function variants are significantly associated with autosomal dominant titinopathies (Deo et al., 2016; Schafer et al., 2017); This variant is associated with the following publications: (PMID: 27625338, 27869827)

Literature cited by the submitters: PubMed 25589632 (cited by Labcorp Genetics (formerly Invitae), Labcorp); PubMed 23975875 (cited by Labcorp Genetics (formerly Invitae), Labcorp); PubMed 27869827 (cited by Labcorp Genetics (formerly Invitae), Labcorp); PubMed 32964742 (cited by Labcorp Genetics (formerly Invitae), Labcorp).